The following is an entry in ClinVar:

NM_001039348.3(EFEMP1):c.507C>G (p.Asn169Lys)

Gene: EFEMP1 (EGF-like fibulin extracellular matrix protein 1; minus strand). Cytogenetic location: 2p16.1.
Variant type: single nucleotide variant.
Coding change: c.507C>G on transcript NM_001039348.3 (MANE Select); coding-DNA position 507, C replaced by G.
Protein change: p.Asn169Lys; replaces asparagine 169 with lysine.
Molecular consequence: missense variant.
Genome position (GRCh38, 1-based): chr2:55,917,675, G>C on the plus strand (C>G on the coding strand, the complement: EFEMP1 is on the minus strand). VCF-style: chr2-55917675-G-C. GRCh37 (hg19) VCF-style: chr2-56144810-G-C.
Other names: c.507C>G, p.Asn169Lys (NM_001039349.3); short protein forms N169K.
Identifiers: ClinVar variation 3691707 (VCV003691707.2).

ClinVar aggregate classification (germline): Uncertain significance (1 of 4 stars; one submission).

gnomAD v4.1: 1 of 1,614,198 alleles (0.000062%); highest among the groups gnomAD compares: Non-Finnish European, 0.000085%; no homozygotes.

Submission:

Labcorp Genetics (formerly Invitae), Labcorp
Classification: Uncertain significance. Last evaluated: 2025-12-08. Review status: criteria provided, single submitter. Criteria: Invitae Variant Classification Sherloc (09022015). Collection method: clinical testing. Allele origin: germline.
Comment: This sequence change replaces asparagine, which is neutral and polar, with lysine, which is basic and polar, at codon 169 of the EFEMP1 protein (p.Asn169Lys). This variant is not present in population databases (gnomAD no frequency). This variant has not been reported in the literature in individuals affected with EFEMP1-related conditions. ClinVar contains an entry for this variant (Variation ID: 3691707). Invitae Evidence Modeling of protein sequence and biophysical properties (such as structural, functional, and spatial information, amino acid conservation, physicochemical variation, residue mobility, and thermodynamic stability) indicates that this missense variant is not expected to disrupt EFEMP1 protein function with a negative predictive value of 80%. In summary, the available evidence is currently insufficient to determine the role of this variant in disease. Therefore, it has been classified as a Variant of Uncertain Significance.